The following is an entry in ClinVar:

NM_003482.4(KMT2D):c.5468-17G>A

Gene: KMT2D (lysine methyltransferase 2D; minus strand). Cytogenetic location: 12q13.12.
Variant type: single nucleotide variant.
Coding change: c.5468-17G>A on transcript NM_003482.4 (MANE Select); 17 bases into the intron before coding-DNA position 5468, G replaced by A.
Molecular consequence: intron variant.
Genome position (GRCh38, 1-based): chr12:49,043,445, C>T on the plus strand (G>A on the coding strand, the complement: KMT2D is on the minus strand). VCF-style: chr12-49043445-C-T. GRCh37 (hg19) VCF-style: chr12-49437228-C-T.
Identifiers: ClinVar variation 4753988 (VCV004753988.1).
Genomic context (GRCh38, chr12:49,043,445, plus strand): 5'-GAGGCCACGGGATTCTTCATCTGCAATATCTGGACCATCATCTCCTATGAGCAAGAGTCC[C>T]CCCTCCAATCAGAGATGTCCTACATCTGATGCCCAGAACAGGTCTCCAGTCCCACAGCCC-3'

ClinVar aggregate classification (germline): Uncertain significance (1 of 4 stars; one submission).

Conditions:
Kabuki syndrome. Also called: Kabuki make-up syndrome; NIIKAWA-KUROKI SYNDROME. Identifiers: Orphanet 2322, MedGen C0796004, MONDO:0016512.

gnomAD v4.1: 8 of 1,613,614 alleles (0.0005%); highest among the groups gnomAD compares: Non-Finnish European, 0.00068%; no homozygotes.

Submission:

Labcorp Genetics (formerly Invitae), Labcorp
Classification: Uncertain significance for Kabuki syndrome. Last evaluated: 2025-09-29. Review status: criteria provided, single submitter. Criteria: Invitae Variant Classification Sherloc (09022015). Collection method: clinical testing. Allele origin: germline.
Comment: This sequence change falls in intron 23 of the KMT2D gene. It does not directly change the encoded amino acid sequence of the KMT2D protein. This variant is not present in population databases (gnomAD no frequency). This variant has not been reported in the literature in individuals affected with KMT2D-related conditions. Algorithms developed to predict the effect of sequence changes on RNA splicing suggest that this variant may disrupt the consensus splice site. In summary, the available evidence is currently insufficient to determine the role of this variant in disease. Therefore, it has been classified as a Variant of Uncertain Significance.